The following is an entry in ClinVar:

NC_000005.10:g.112707470G>A

Gene: APC (APC regulator of Wnt signaling pathway; plus strand). Cytogenetic location: 5q22.2.
Variant type: single nucleotide variant.
Genome position: GRCh38 VCF-style: chr5-112707470-G-A. GRCh37 (hg19) VCF-style: chr5-112043167-G-A.
Identifiers: ClinVar variation 1057325 (VCV001057325.10), dbSNP rs986084146, ClinGen allele CA124924711.

ClinVar aggregate classification (germline): Uncertain significance (1 of 4 stars; one submission).

Conditions:
Familial adenomatous polyposis 1 (FAP1). Also called: FAMILIAL ADENOMATOUS POLYPOSIS 1, ATTENUATED; POLYPOSIS, ADENOMATOUS INTESTINAL. Identifiers: MedGen C2713442, MONDO:0021056, OMIM 175100. Disease mechanism: loss of function.

Submission:

Labcorp Genetics (formerly Invitae), Labcorp
Classification: Uncertain significance for Familial adenomatous polyposis 1. Last evaluated: 2022-08-20. Review status: criteria provided, single submitter. Criteria: Invitae Variant Classification Sherloc (09022015). Collection method: clinical testing. Allele origin: germline.
Comment: This variant occurs in a non-coding region of the APC gene. It does not change the encoded amino acid sequence of the APC protein. This variant is not present in population databases (gnomAD no frequency). This variant has not been reported in the literature in individuals affected with APC-related conditions. Experimental studies and prediction algorithms are not available or were not evaluated, and the functional significance of this variant is currently unknown. In summary, the available evidence is currently insufficient to determine the role of this variant in disease. Therefore, it has been classified as a Variant of Uncertain Significance.